The following is an entry in ClinVar:

ClinVar aggregate classification (germline): Uncertain significance (1 of 4 stars; one submission).

Allele frequency attached by ClinVar (database versions not stated): ExAC 0.00001; gnomAD 0.00001; 1000 Genomes Project 30x 0.00016.
gnomAD v4.1: 1 of 1,614,076 alleles (0.000062%); highest among the groups gnomAD compares: East Asian, 0.0022%; no homozygotes.

Submission:

Ambry Genetics
Classification: Uncertain significance. Last evaluated: 2021-09-16. Review status: criteria provided, single submitter. Criteria: Ambry Variant Classification Scheme 2023. Collection method: clinical testing. Allele origin: germline.
Comment: The p.S1827F variant (also known as c.5480C>T), located in coding exon 5 of the ALPK2 gene, results from a C to T substitution at nucleotide position 5480. The serine at codon 1827 is replaced by phenylalanine, an amino acid with highly dissimilar properties. This amino acid position is conserved. In addition, this alteration is predicted to be tolerated by in silico analysis. Since supporting evidence is limited at this time, the clinical significance of this alteration remains unclear.

NM_052947.4(ALPK2):c.5480C>T (p.Ser1827Phe)

Gene: ALPK2 (alpha kinase 2; minus strand). Cytogenetic location: 18q21.31.
Variant type: single nucleotide variant.
Coding change: c.5480C>T on transcript NM_052947.4 (MANE Select); coding-DNA position 5480, C replaced by T.
Protein change: p.Ser1827Phe; replaces serine 1827 with phenylalanine.
Molecular consequence: missense variant.
Genome position (GRCh38, 1-based): chr18:58,529,112, G>A on the plus strand (C>T on the coding strand, the complement: ALPK2 is on the minus strand). VCF-style: chr18-58529112-G-A. GRCh37 (hg19) VCF-style: chr18-56196344-G-A.
Other names: short protein forms S1827F.
Identifiers: ClinVar variation 1747802 (VCV001747802.2), dbSNP rs773604459, ClinGen allele CA8976500.